The following is an entry in ClinVar:

ClinVar aggregate classification (germline): Uncertain significance (1 of 4 stars; one submission).

Conditions:
AR-related disorder. Also called: AR-related condition.

Allele frequency attached by ClinVar (database versions not stated): TOPMed 0.00002; gnomAD exomes below 0.00001.
gnomAD v4.1: 1 of 1,198,492 alleles (0.000083%); highest among the groups gnomAD compares: Non-Finnish European, 0.00011%; no homozygotes.

Submission:

PreventionGenetics, part of Exact Sciences
Classification: Uncertain significance for AR-related condition. Last evaluated: 2022-10-27. Review status: criteria provided, single submitter. Criteria: ACMG Guidelines, 2015. Collection method: clinical testing. Allele origin: germline.
Comment: The AR c.280G>T variant is predicted to result in the amino acid substitution p.Asp94Tyr. To our knowledge, this variant has not been reported in the literature or in a large population database, indicating this variant is rare. At this time, the clinical significance of this variant is uncertain due to the absence of conclusive functional and genetic evidence.

NM_000044.6(AR):c.280G>T (p.Asp94Tyr)

Gene: AR (androgen receptor; plus strand). Cytogenetic location: Xq12.
Variant type: single nucleotide variant.
Coding change: c.280G>T on transcript NM_000044.6 (MANE Select); coding-DNA position 280, G replaced by T.
Protein change: p.Asp94Tyr; replaces aspartic acid 94 with tyrosine.
Molecular consequence: missense variant. On other transcripts: 5 prime UTR variant (1).
Genome position (GRCh38, 1-based): chrX:67,545,426, G>T. VCF-style: chrX-67545426-G-T. GRCh37 (hg19) VCF-style: chrX-66765268-G-T.
Other names: c.-1504G>T (NM_001011645.3); c.280G>T, p.Asp94Tyr (NM_001348061.1, NM_001348063.1, NM_001348064.1 and 1 more transcripts); short protein forms D94Y.
Identifiers: ClinVar variation 2637233 (VCV002637233.1), dbSNP rs1007084818, ClinGen allele CA330757118.
Genomic context (GRCh38, chrX:67,545,426, plus strand): 5'-CAGCAGCAGCAGCAGCAGCAAGAGACTAGCCCCAGGCAGCAGCAGCAGCAGCAGGGTGAG[G>T]ATGGTTCTCCCCAAGCCCATCGTAGAGGCCCCACAGGCTACCTGGTCCTGGATGAGGAAC-3'
Protein context (NP_000035.2, residues 84-104): PRQQQQQQGE[Asp94Tyr]GSPQAHRRGP